The following is an entry in ClinVar:

NM_138459.5(NUS1):c.293C>G (p.Pro98Arg)

Gene: NUS1 (NUS1 dehydrodolichyl diphosphate synthase subunit; plus strand). Cytogenetic location: 6q22.1.
Variant type: single nucleotide variant.
Coding change: c.293C>G on transcript NM_138459.5 (MANE Select); coding-DNA position 293, C replaced by G.
Protein change: p.Pro98Arg; replaces proline 98 with arginine.
Molecular consequence: missense variant.
Genome position (GRCh38, 1-based): chr6:117,675,963, C>G. VCF-style: chr6-117675963-C-G. GRCh37 (hg19) VCF-style: chr6-117997126-C-G.
Other names: short protein forms P98R.
Identifiers: ClinVar variation 4795578 (VCV004795578.1).

ClinVar aggregate classification (germline): Uncertain significance (1 of 4 stars; one submission).

Submission:

GeneDx
Classification: Uncertain significance. Last evaluated: 2025-08-11. Review status: criteria provided, single submitter. Criteria: GeneDx Variant Classification Process June 2021. Collection method: clinical testing. Allele origin: germline. Affected: yes.
Comment: Not observed at significant frequency in large population cohorts (gnomAD); In silico analysis supports that this missense variant has a deleterious effect on protein structure/function; Has not been previously published as pathogenic or benign to our knowledge